The following is an entry in ClinVar:

NM_015272.5(RPGRIP1L):c.230+799C>T

Gene: RPGRIP1L (RPGRIP1 like; minus strand). Cytogenetic location: 16q12.2.
Variant type: single nucleotide variant.
Coding change: c.230+799C>T on transcript NM_015272.5 (MANE Select); 799 bases into the intron after coding-DNA position 230, C replaced by T.
Molecular consequence: intron variant. On other transcripts: nonsense (1).
Genome position (GRCh38, 1-based): chr16:53,695,352, G>A on the plus strand (C>T on the coding strand, the complement: RPGRIP1L is on the minus strand). VCF-style: chr16-53695352-G-A. GRCh37 (hg19) VCF-style: chr16-53729264-G-A.
Other names: c.230+799C>T (NM_001308334.3, NM_001127897.4, NM_001330538.2); c.337C>T, p.Gln113Ter (NM_001328422.2); short protein forms Q113*.
Identifiers: ClinVar variation 4983394 (VCV004983394.1).

ClinVar aggregate classification (germline): Uncertain significance (1 of 4 stars; one submission).

Conditions:
RPGRIP1L-related disorder. Also called: RPGRIP1L-related condition; RPGRIP1L-related disorders. Identifiers: MedGen CN239416.

gnomAD v4.1: 2 of 702,968 alleles (0.00028%); highest among the groups gnomAD compares: Non-Finnish European, 0.00052%; no homozygotes.

Submission:

PreventionGenetics, part of Exact Sciences
Classification: Uncertain significance for RPGRIP1L-related condition. Last evaluated: 2026-05-14. Review status: criteria provided, single submitter. Criteria: ACMG Guidelines, 2015. Collection method: clinical testing. Allele origin: germline.
Comment: The RPGRIP1L c.337C>T variant is predicted to result in premature protein termination (p.Gln113*). In the more commonly reported transcript, this variant is intronic (NM_015272.5, c.230+799C>T) and is not predicted to impact splicing (SpliceAI, Jaganathan et al. 2019. PubMed ID: 30661751). To our knowledge, this variant has not been reported in the literature or in a large population database (gnomAD), indicating this variant is rare. At this time, the clinical significance of this variant is uncertain due to the absence of conclusive functional and genetic evidence.